The following is an entry in ClinVar:

ClinVar aggregate classification (germline): Uncertain significance (1 of 4 stars; one submission).

Submission:

GeneDx
Classification: Uncertain significance. Last evaluated: 2025-02-03. Review status: criteria provided, single submitter. Criteria: GeneDx Variant Classification Process June 2021. Collection method: clinical testing. Allele origin: germline. Affected: yes.
Comment: Not observed at significant frequency in large population cohorts (gnomAD); In silico analysis supports that this missense variant has a deleterious effect on protein structure/function; Has not been previously published as pathogenic or benign to our knowledge

NM_001378974.1(FBXW11):c.956C>T (p.Ser319Leu)

Gene: FBXW11 (F-box and WD repeat domain containing 11; minus strand). Cytogenetic location: 5q35.1.
Variant type: single nucleotide variant.
Coding change: c.956C>T on transcript NM_001378974.1 (MANE Select); coding-DNA position 956, C replaced by T.
Protein change: p.Ser319Leu; replaces serine 319 with leucine.
Molecular consequence: missense variant.
Genome position (GRCh38, 1-based): chr5:171,878,026, G>A on the plus strand (C>T on the coding strand, the complement: FBXW11 is on the minus strand). VCF-style: chr5-171878026-G-A. GRCh37 (hg19) VCF-style: chr5-171305030-G-A.
Other names: c.887C>T, p.Ser296Leu (NM_001378975.1); c.860C>T, p.Ser287Leu (NM_001378976.1); c.797C>T, p.Ser266Leu (NM_001378977.1, NM_001378978.1, NM_001378979.1); c.791C>T, p.Ser264Leu (NM_001378980.1, NM_033645.3); c.893C>T, p.Ser298Leu (NM_012300.3); c.854C>T, p.Ser285Leu (NM_033644.3); short protein forms S264L, S266L, S285L, S287L, S296L, S298L, S319L.
Identifiers: ClinVar variation 4074455 (VCV004074455.1).